The following is an entry in ClinVar:

NM_004656.4(BAP1):c.438-14_438-13del

Gene: BAP1 (BRCA1 associated deubiquitinase 1; minus strand). Cytogenetic location: 3p21.1.
Variant type: Microsatellite.
Coding change: c.438-14_438-13del on transcript NM_004656.4 (MANE Select); 14 bases into the intron before coding-DNA position 438 through 13 bases into the intron before coding-DNA position 438, 2 bases deleted (CT; older notation c.438-14_438-13delCT).
Molecular consequence: intron variant.
Genome position (GRCh38, 1-based): chr3:52,407,329-52,407,330, AG deleted on the plus strand (CT on the coding strand, the reverse complement: BAP1 is on the minus strand); deleting any 2 consecutive bases within chr3:52,407,329-52,407,332 gives the same sequence; the c. name uses the placement nearest the transcript's 3' end. VCF-style (leftmost placement, unchanged base first): chr3-52407328-CAG-C. GRCh37 (hg19) VCF-style: chr3-52441344-CAG-C.
Other names: c.438-14_438-13del (NM_001410772.1).
Identifiers: ClinVar variation 3379119 (VCV003379119.2).

ClinVar aggregate classification (germline): Likely benign. Review status: criteria provided, multiple submitters, no conflicts (2 of 4 stars). 2 submissions from 2 submitters: Likely benign (2). Last evaluated 2025-08-12.

Conditions:
BAP1-related tumor predisposition syndrome (TPDS1). Also called: COMMON Syndrome; Tumor susceptibility linked to germline BAP1 mutations; TUMOR PREDISPOSITION SYNDROME 1; BAP1 tumor predisposition syndrome. Identifiers: Orphanet 289539, MedGen C3280492, MONDO:0013692, OMIM 614327.

Submissions (2):

Labcorp Genetics (formerly Invitae), Labcorp
Classification: Likely benign for BAP1-related tumor predisposition syndrome. Last evaluated: 2025-08-12. Review status: criteria provided, single submitter. Criteria: Invitae Variant Classification Sherloc (09022015). Collection method: clinical testing. Allele origin: germline.

Myriad Genetics, Inc.
Classification: Likely benign for BAP1-related tumor predisposition syndrome. Last evaluated: 2024-07-12. Review status: criteria provided, single submitter. Criteria: Myriad Autosomal Dominant, Autosomal Recessive and X-Linked Classification Criteria (2023). Collection method: clinical testing. Allele origin: unknown.
Comment: This variant is considered likely benign. This variant is intronic and is not expected to impact mRNA splicing.